The following is an entry in ClinVar:

ClinVar aggregate classification (germline): Uncertain significance (1 of 4 stars; one submission).

Conditions:
Lymphatic malformation 6 (LMPHM6). Also called: PIEZO1-related generalized lymphatic dysplasia with non-immune hydrops fetalis; GENERALIZED LYMPHATIC DYSPLASIA OF FOTIOU; Lymphedema, hereditary, III. Identifiers: Orphanet 568062, MedGen C4225184, MONDO:0014797, OMIM 616843.

Submission:

MGZ Medical Genetics Center
Classification: Uncertain significance for Lymphatic malformation 6. Last evaluated: 2022-06-13. Review status: criteria provided, single submitter. Criteria: ACMG Guidelines, 2015. Collection method: clinical testing. Allele origin: germline. Affected: yes. Observed: 1 variant allele.
Comment: ACMG criteria applied: PM4, PM2_SUP

NM_001142864.4(PIEZO1):c.6901_6912del (p.Leu2301_Thr2304del)

Gene: PIEZO1 (piezo type mechanosensitive ion channel component 1 (Er blood group); minus strand). Cytogenetic location: 16q24.3.
Variant type: Deletion.
Coding change: c.6901_6912del on transcript NM_001142864.4 (MANE Select); coding-DNA positions 6901 to 6912, 12 bases deleted (CTGCGCTTCACC).
Protein change: p.Leu2301_Thr2304del.
Molecular consequence: inframe deletion. On other transcripts: inframe indel (1).
Genome position (GRCh38, 1-based): chr16:88,716,573-88,716,584, GGTGAAGCGCAG deleted on the plus strand (CTGCGCTTCACC on the coding strand, the reverse complement: PIEZO1 is on the minus strand); deleting any 12 consecutive bases within chr16:88,716,573-88,716,589 gives the same sequence; the c. name uses the placement nearest the transcript's 3' end. VCF-style (leftmost placement, unchanged base first): chr16-88716572-AGGTGAAGCGCAG-A. GRCh37 (hg19) VCF-style: chr16-88782980-AGGTGAAGCGCAG-A.
Other names: c.5438_5449delTCACCCTGCGCT, p.Leu1815_Thr1818del (NM_014745.1).
Identifiers: ClinVar variation 1709590 (VCV001709590.1), dbSNP rs2507824716, ClinGen allele CA2580092214.